The following is an entry in ClinVar:

NM_006096.4(NDRG1):c.944-87=

Gene: NDRG1 (N-myc downstream regulated 1; minus strand). Cytogenetic location: 8q24.22.
Variant type: single nucleotide variant.
Coding change: c.944-87= on transcript NM_006096.4 (MANE Select); 87 bases into the intron before coding-DNA position 944, no change from the reference sequence.
Molecular consequence: intron variant.
Genome position: GRCh38 VCF-style: chr8-133239206-C-C. GRCh37 (hg19) VCF-style: chr8-134251449-T-C.
Other names: c.746-87= (NM_001258432.2, NM_001374847.1); c.701-87= (NM_001258433.2); c.995-87= (NM_001374844.1); c.944-87= (NM_001135242.2, NM_001374845.1, NM_001374846.1).
Identifiers: ClinVar variation 667648 (VCV000667648.2), dbSNP rs2929976.

ClinVar aggregate classification (germline): Benign. Review status: criteria provided, multiple submitters, no conflicts (2 of 4 stars). 2 submissions from 2 submitters: Benign (2). Last evaluated 2018-06-14.

Allele frequency attached by ClinVar (database versions not stated): gnomAD exomes 1.00000; TOPMed 1.00000.

Submissions (2):

GeneDx
Classification: Benign. Last evaluated: 2018-06-14. Review status: criteria provided, single submitter. Criteria: GeneDx Variant Classification (06012015). Collection method: clinical testing. Allele origin: germline. Affected: yes.
Comment: This variant is considered likely benign or benign based on one or more of the following criteria: it is a conservative change, it occurs at a poorly conserved position in the protein, it is predicted to be benign by multiple in silico algorithms, and/or has population frequency not consistent with disease.

Breakthrough Genomics
Classification: Benign. Review status: criteria provided, single submitter. Criteria: ACMG Guidelines, 2015. Collection method: not provided. Allele origin: germline. Inheritance: Autosomal recessive inheritance. Affected: yes.